The following is an entry in ClinVar:

NM_000103.4(CYP19A1):c.744-2A>G

Genes: CYP19A1 (cytochrome P450 family 19 subfamily A member 1; minus strand), PIRC66 (piwi-interacting RNA cluster 66; plus strand), MIR4713HG (MIR4713 host gene; plus strand). Cytogenetic location: 15q21.2.
Variant type: single nucleotide variant.
Coding change: c.744-2A>G on transcript NM_000103.4 (MANE Select); the canonical splice acceptor site of the intron before coding-DNA position 744, A replaced by G.
Molecular consequence: splice acceptor variant.
Genome position (GRCh38, 1-based): chr15:51,215,819, T>C on the plus strand (A>G on the coding strand, the complement: CYP19A1 is on the minus strand). VCF-style: chr15-51215819-T-C. GRCh37 (hg19) VCF-style: chr15-51508016-T-C.
Other names: c.744-2A>G (NM_031226.3, NM_001347248.1, NM_001347249.2 and 7 more transcripts).
Identifiers: ClinVar variation 4816277 (VCV004816277.1).

ClinVar aggregate classification (germline): Pathogenic (1 of 4 stars; one submission).

Conditions:
Aromatase deficiency. Also called: PSEUDOHERMAPHRODITISM, FEMALE, DUE TO PLACENTAL AROMATASE DEFICIENCY; Increased aromatase activity. Identifiers: Orphanet 91, MedGen C1960539, MONDO:0013301, OMIM 613546.

Submission:

Natera, Inc.
Classification: Pathogenic for Aromatase deficiency. Last evaluated: 2024-11-15. Review status: criteria provided, single submitter. Criteria: Natera Variant Classification Schema (03/2026). Collection method: clinical testing. Allele origin: germline.
Comment: The c.744-2A>G variant in CYP19A1 is a canonical splice acceptor site variant predicted to affect pre-mRNA splicing, which may result in an abnormal transcript and altered protein product. This variant is expected to result in nonsense mediated decay, truncation, or a dysfunctional protein product. This variant is rare in the general population with a frequency below the threshold expected for the associated phenotype(s). This variant has been observed in one or more individuals affected with the associated recessive disease, as either homozygous or compound heterozygous with a second variant (PMID: 29553041). Given the available evidence, this variant is classified as Pathogenic.

Literature cited by the submitters: PubMed 29553041.